The following is an entry in ClinVar:

NM_001163435.3(TBCK):c.2314T>A (p.Cys772Ser)

Gene: TBCK (TBC1 domain containing kinase; minus strand). Cytogenetic location: 4q24.
Variant type: single nucleotide variant.
Coding change: c.2314T>A on transcript NM_001163435.3 (MANE Select); coding-DNA position 2314, T replaced by A.
Protein change: p.Cys772Ser; replaces cysteine 772 with serine.
Molecular consequence: missense variant.
Genome position (GRCh38, 1-based): chr4:106,116,300, A>T on the plus strand (T>A on the coding strand, the complement: TBCK is on the minus strand). VCF-style: chr4-106116300-A-T. GRCh37 (hg19) VCF-style: chr4-107037457-A-T.
Other names: c.2314T>A, p.Cys772Ser (NM_001163436.4); c.2197T>A, p.Cys733Ser (NM_001163437.3); c.1798T>A, p.Cys600Ser (NM_001290768.2); c.2125T>A, p.Cys709Ser (NM_033115.5); short protein forms C733S, C709S, C772S, C600S.
Identifiers: ClinVar variation 2195467 (VCV002195467.1), dbSNP rs375088818, ClinGen allele CA103415041.

ClinVar aggregate classification (germline): Uncertain significance (1 of 4 stars; one submission).

Allele frequency attached by ClinVar (database versions not stated): gnomAD exomes below 0.00001; gnomAD 0.00001; TOPMed 0.00001; ESP Exome Variant Server 0.00008.
gnomAD v4.1: 4 of 1,613,984 alleles (0.00025%); highest among the groups gnomAD compares: African/African-American, 0.0013%; no homozygotes.

Submission:

Labcorp Genetics (formerly Invitae), Labcorp
Classification: Uncertain significance. Last evaluated: 2022-01-02. Review status: criteria provided, single submitter. Criteria: Invitae Variant Classification Sherloc (09022015). Collection method: clinical testing. Allele origin: germline.
Comment: This sequence change replaces cysteine, which is neutral and slightly polar, with serine, which is neutral and polar, at codon 772 of the TBCK protein (p.Cys772Ser). This variant is present in population databases (rs375088818, gnomAD 0.01%). This variant has not been reported in the literature in individuals affected with TBCK-related conditions. Algorithms developed to predict the effect of missense changes on protein structure and function are either unavailable or do not agree on the potential impact of this missense change (SIFT: "Deleterious"; PolyPhen-2: "Benign"; Align-GVGD: "Class C0"). In summary, the available evidence is currently insufficient to determine the role of this variant in disease. Therefore, it has been classified as a Variant of Uncertain Significance.